The following is an entry in ClinVar:

NM_004366.6(CLCN2):c.1019A>G (p.Tyr340Cys)

Gene: CLCN2 (chloride voltage-gated channel 2; minus strand). Cytogenetic location: 3q27.1.
Variant type: single nucleotide variant.
Coding change: c.1019A>G on transcript NM_004366.6 (MANE Select); coding-DNA position 1019, A replaced by G.
Protein change: p.Tyr340Cys; replaces tyrosine 340 with cysteine.
Molecular consequence: missense variant.
Genome position (GRCh38, 1-based): chr3:184,357,059, T>C on the plus strand (A>G on the coding strand, the complement: CLCN2 is on the minus strand). VCF-style: chr3-184357059-T-C. GRCh37 (hg19) VCF-style: chr3-184074847-T-C.
Other names: c.1019A>G, p.Tyr340Cys (NM_001171087.3, NM_001171089.3); c.887A>G, p.Tyr296Cys (NM_001171088.3); short protein forms Y296C, Y340C.
Identifiers: ClinVar variation 2164135 (VCV002164135.7), dbSNP rs200795200, ClinGen allele CA2734264.
Genomic context (GRCh38, chr3:184,357,059, plus strand): 5'-ATGAGGAAGCGATTGATGGTTTTCTGCTTCCGCATCACCTGGACAATCTTCCGGTTCAGG[T>C]AGACAAAGAGGGCTCCACCGAAGCCACTAGCAATACTGGAAAGGGAAGAGGCACCTGAGT-3'
Protein context (NP_004357.3, residues 330-350): ASGFGGALFV[Tyr340Cys]LNRKIVQVMR

ClinVar aggregate classification (germline): Uncertain significance. Review status: criteria provided, multiple submitters, no conflicts (2 of 4 stars). 3 submissions from 3 submitters: Uncertain significance (3). Last evaluated 2024-04-15.

Conditions:
Epilepsy, idiopathic generalized, susceptibility to, 11 (EIG11). Identifiers: Orphanet 307, MedGen C2750893, MONDO:0011875, OMIM 607628.
Leukoencephalopathy with mild cerebellar ataxia and white matter edema (LKPAT). Also called: Brain white matter edema; Leukoencephalopathy with white matter edema; Leukoencephalopathy with ataxia; CLCN2-Related Leukoencephalopathy. Identifiers: Orphanet 363540, MedGen C4554120, MONDO:0014292, OMIM 615651. Disease mechanism: loss of function.
Familial hyperaldosteronism type II. Also called: FH II. Identifiers: Orphanet 404, MedGen C1854107, MONDO:0011576, OMIM 605635.

Allele frequency attached by ClinVar (database versions not stated): gnomAD exomes 0.00003; gnomAD 0.00004; TOPMed 0.00008; ExAC 0.00010; 1000 Genomes Project 30x 0.00031.
gnomAD v4.1: 49 of 1,613,598 alleles (0.003%); highest among the groups gnomAD compares: East Asian, 0.042%; no homozygotes.

Submissions (3):

Fulgent Genetics
Classification: Uncertain significance for Familial hyperaldosteronism type II; Epilepsy, idiopathic generalized, susceptibility to, 11; Leukoencephalopathy with mild cerebellar ataxia and white matter edema. Last evaluated: 2024-04-15. Review status: criteria provided, single submitter. Criteria: ACMG Guidelines, 2015. Collection method: clinical testing. Allele origin: germline.

Labcorp Genetics (formerly Invitae), Labcorp
Classification: Uncertain significance. Last evaluated: 2024-01-29. Review status: criteria provided, single submitter. Criteria: Invitae Variant Classification Sherloc (09022015). Collection method: clinical testing. Allele origin: germline.
Comment: This sequence change replaces tyrosine, which is neutral and polar, with cysteine, which is neutral and slightly polar, at codon 340 of the CLCN2 protein (p.Tyr340Cys). This variant is present in population databases (rs200795200, gnomAD 0.1%). This variant has not been reported in the literature in individuals affected with CLCN2-related conditions. ClinVar contains an entry for this variant (Variation ID: 2164135). Advanced modeling of protein sequence and biophysical properties (such as structural, functional, and spatial information, amino acid conservation, physicochemical variation, residue mobility, and thermodynamic stability) has been performed at Invitae for this missense variant, however the output from this modeling did not meet the statistical confidence thresholds required to predict the impact of this variant on CLCN2 protein function. In summary, the available evidence is currently insufficient to determine the role of this variant in disease. Therefore, it has been classified as a Variant of Uncertain Significance.

Juno Genomics, Hangzhou Juno Genomics, Inc
Classification: Uncertain significance for Epilepsy, idiopathic generalized, susceptibility to, 11; Familial hyperaldosteronism type II; Leukoencephalopathy with mild cerebellar ataxia and white matter edema. Review status: criteria provided, single submitter. Criteria: ACMG Guidelines, 2015. Collection method: clinical testing. Allele origin: germline.
Comment: Absent from controls (or at extremely low frequency if recessive) in Genome Aggregation Database.;Multiple lines of computational evidence support a deleterious effect on the gene or gene product.